The following is an entry in ClinVar:

NM_207037.2(TCF12):c.253C>G (p.His85Asp)

Gene: TCF12 (transcription factor 12; plus strand). Cytogenetic location: 15q21.3.
Variant type: single nucleotide variant.
Coding change: c.253C>G on transcript NM_207037.2 (MANE Select); coding-DNA position 253, C replaced by G.
Protein change: p.His85Asp; replaces histidine 85 with aspartic acid.
Molecular consequence: missense variant. On other transcripts: 5 prime UTR variant (1).
Genome position (GRCh38, 1-based): chr15:57,091,819, C>G. VCF-style: chr15-57091819-C-G. GRCh37 (hg19) VCF-style: chr15-57384017-C-G.
Other names: c.253C>G, p.His85Asp (NM_001322151.2, NM_001322152.2, NM_001322157.3 and 7 more transcripts); c.-400C>G (NM_001322154.2); c.79C>G, p.His27Asp (NM_001322156.2, NM_001322158.2); c.289C>G, p.His97Asp (NM_001322164.2); short protein forms H27D, H85D, H97D.
Identifiers: ClinVar variation 3377871 (VCV003377871.1).

ClinVar aggregate classification (germline): Uncertain significance (1 of 4 stars; one submission).

Submission:

GeneDx
Classification: Uncertain significance. Last evaluated: 2024-05-16. Review status: criteria provided, single submitter. Criteria: GeneDx Variant Classification Process June 2021. Collection method: clinical testing. Allele origin: germline. Affected: yes.
Comment: Not observed at significant frequency in large population cohorts (gnomAD); In silico analysis supports that this missense variant has a deleterious effect on protein structure/function; Has not been previously published as pathogenic or benign to our knowledge